The following is an entry in ClinVar:

NM_001451.3(FOXF1):c.21del (p.Lys7fs)

Gene: FOXF1 (forkhead box F1; plus strand). Cytogenetic location: 16q24.1.
Variant type: Deletion.
Coding change: c.21del on transcript NM_001451.3 (MANE Select); coding-DNA position 21, one base deleted (G; older notation c.21delG).
Protein change: p.Lys7fs; shifts the reading frame from lysine 7.
Molecular consequence: frameshift variant.
Genome position (GRCh38, 1-based): chr16:86,510,590, G deleted. VCF-style (leftmost placement, unchanged base first): chr16-86510589-AG-A. GRCh37 (hg19) VCF-style: chr16-86544195-AG-A.
Other names: short protein forms K7fs.
Identifiers: ClinVar variation 2500699 (VCV002500699.2), dbSNP rs2471967457, ClinGen allele CA1139771237.
Genomic context (GRCh38, chr16:86,510,589, plus strand): 5'-AGAGCAGCGGCGGCAGCGGCGGCGGCGGCAGCAGCCACCCGATGTCTTCGGCGCCCGAGA[AG>A]CAGCAGCCACCGCACGGCGGCGGCGGCGGCGGCGGCGGGGGAGGCGGCGCGGCCATGGAC-3'

ClinVar aggregate classification (germline): Pathogenic (1 of 4 stars; one submission).

Conditions:
Alveolar capillary dysplasia with pulmonary venous misalignment. Also called: Congenital alveolar capillary dysplasia; Alveolar capillary dysplasia with misalignment of pulmonary veins; ALVEOLAR CAPILLARY DYSPLASIA WITH MISALIGNMENT OF PULMONARY VEINS AND OTHER CONGENITAL ANOMALIES. Identifiers: Orphanet 210122, MedGen C2960310, MONDO:0009934, OMIM 265380.

Submission:

Victorian Clinical Genetics Services, Murdoch Childrens Research Institute
Classification: Pathogenic for Alveolar capillary dysplasia with pulmonary venous misalignment. Last evaluated: 2021-05-06. Review status: criteria provided, single submitter. Criteria: ACMG Guidelines, 2015. Collection method: clinical testing. Allele origin: germline. Inheritance: Autosomal dominant inheritance. Affected: yes.
Comment: Based on the classification scheme VCGS_Germline_v1.3.4, this variant is classified as Pathogenic. Following criteria are met: 0102 - Loss of function is a known mechanism of disease in this gene and is associated with alveolar capillary dysplasia with misalignment of pulmonary veins (MIM#265380). (I) 0107 - This gene is associated with autosomal dominant disease. (I) 0201 - Variant is predicted to cause nonsense-mediated decay (NMD) and loss of protein (premature termination codon is located at least 54 nucleotides upstream of the final exon-exon junction). (SP) 0251 - This variant is heterozygous. (I) 0301 - Variant is absent from gnomAD (both v2 and v3). (SP) 0702 - Other NMD-predicted variants comparable to the one identified in this case have strong previous evidence for pathogenicity. Many other variants shown to result in a loss of function have previously been reported as pathogenic in individuals with alveolar capillary dysplasia with misalignment of pulmonary veins (MIM#265380) (ClinVar, PMIDs: 23505205, 27071622, 27855150). (SP) 0807 - This variant has no previous evidence of pathogenicity. (I) 0905 - No published segregation evidence has been identified for this variant. (I) 1007 - No published functional evidence has been identified for this variant. (I) Legend: (SP) - Supporting pathogenic, (I) - Information, (SB) - Supporting benign

Literature cited by the submitters: PubMed 23505205; PubMed 27071622; PubMed 27855150.